The following is an entry in ClinVar:

ClinVar aggregate classification (germline): Uncertain significance. Review status: criteria provided, multiple submitters, no conflicts (2 of 4 stars). 3 submissions from 3 submitters: Uncertain significance (3). Last evaluated 2025-08-07.

Conditions:
Long QT syndrome (LQTS). Identifiers: MedGen C0023976, MeSH D008133, MONDO:0002442. Disease mechanism: loss of function. Inheritance: Various modes of inheritance.
Cardiovascular phenotype. Identifiers: MedGen CN230736.

Submissions (3):

GeneDx
Classification: Uncertain significance. Last evaluated: 2025-08-07. Review status: criteria provided, single submitter. Criteria: GeneDx Variant Classification Process June 2021. Collection method: clinical testing. Allele origin: germline. Affected: yes.
Comment: Not observed at significant frequency in large population cohorts (gnomAD); In silico analysis supports that this missense variant has a deleterious effect on protein structure/function; Has not been previously published as pathogenic or benign to our knowledge

Labcorp Genetics (formerly Invitae), Labcorp
Classification: Uncertain significance for Long QT syndrome. Last evaluated: 2024-09-02. Review status: criteria provided, single submitter. Criteria: Invitae Variant Classification Sherloc (09022015). Collection method: clinical testing. Allele origin: germline.
Comment: This sequence change replaces arginine, which is basic and polar, with tryptophan, which is neutral and slightly polar, at codon 1069 of the KCNH2 protein (p.Arg1069Trp). This variant is not present in population databases (gnomAD no frequency). This variant has not been reported in the literature in individuals affected with KCNH2-related conditions. ClinVar contains an entry for this variant (Variation ID: 1380088). An algorithm developed to predict the effect of missense changes on protein structure and function (PolyPhen-2) suggests that this variant is likely to be disruptive. In summary, the available evidence is currently insufficient to determine the role of this variant in disease. Therefore, it has been classified as a Variant of Uncertain Significance.

Ambry Genetics
Classification: Uncertain significance for Cardiovascular phenotype. Last evaluated: 2024-04-04. Review status: criteria provided, single submitter. Criteria: Ambry Variant Classification Scheme 2023. Collection method: clinical testing. Allele origin: germline.
Comment: The p.R1069W variant (also known as c.3205A>T), located in coding exon 14 of the KCNH2 gene, results from an A to T substitution at nucleotide position 3205. The arginine at codon 1069 is replaced by tryptophan, an amino acid with dissimilar properties. This amino acid position is highly conserved in available vertebrate species. In addition, this alteration is predicted to be deleterious by in silico analysis. Based on the available evidence, the clinical significance of this alteration remains unclear.

NM_000238.4(KCNH2):c.3205A>T (p.Arg1069Trp)

Gene: KCNH2 (potassium voltage-gated channel subfamily H member 2; minus strand). Cytogenetic location: 7q36.1.
Variant type: single nucleotide variant.
Coding change: c.3205A>T on transcript NM_000238.4 (MANE Select); coding-DNA position 3205, A replaced by T.
Protein change: p.Arg1069Trp; replaces arginine 1069 with tryptophan.
Molecular consequence: missense variant.
Genome position (GRCh38, 1-based): chr7:150,947,002, T>A on the plus strand (A>T on the coding strand, the complement: KCNH2 is on the minus strand). VCF-style: chr7-150947002-T-A. GRCh37 (hg19) VCF-style: chr7-150644090-T-A.
Other names: c.2185A>T, p.Arg729Trp (NM_172057.3); c.3205A>T (NM_000238.2, NM_000238.3); short protein forms R1069W, R729W.
Identifiers: ClinVar variation 1380088 (VCV001380088.8), dbSNP rs2116926123, ClinGen allele CA369852255.